The following is an entry in ClinVar:

ClinVar aggregate classification (germline): Likely pathogenic (1 of 4 stars; one submission).

Conditions:
Spinocerebellar ataxia, autosomal recessive 22 (SCAR22). Identifiers: MedGen C4310781, MONDO:0014845, OMIM 616948.

gnomAD v4.1: 35 of 1,604,272 alleles (0.0022%); highest among the groups gnomAD compares: Middle Eastern, 0.099%; no homozygotes.

Submission:

First Genomix Gene Laboratory, Genetic Diagnostics Department
Classification: Likely pathogenic for Spinocerebellar ataxia, autosomal recessive 22. Last evaluated: 2025-09-29. Review status: criteria provided, single submitter. Criteria: ACMG Guidelines, 2015. Collection method: clinical testing. Allele origin: germline. Inheritance: Autosomal recessive inheritance. Affected: no. Observed: 1 variant allele.

NM_144992.5(VWA3B):c.-32-1G>T

Gene: VWA3B (von Willebrand factor A domain containing 3B; plus strand). Cytogenetic location: 2q11.2.
Variant type: single nucleotide variant.
Coding change: c.-32-1G>T on transcript NM_144992.5 (MANE Select); the canonical splice acceptor site of the intron before 32 bases upstream of the start codon, G replaced by T.
Molecular consequence: splice acceptor variant.
Genome position (GRCh38, 1-based): chr2:98,093,060, G>T. VCF-style: chr2-98093060-G-T. GRCh37 (hg19) VCF-style: chr2-98709523-G-T.
Identifiers: ClinVar variation 4850465 (VCV004850465.1).